The following is an entry in ClinVar:

NM_177438.3(DICER1):c.4342G>A (p.Glu1448Lys)

Gene: DICER1 (dicer 1, ribonuclease III; minus strand). Cytogenetic location: 14q32.13.
Variant type: single nucleotide variant.
Coding change: c.4342G>A on transcript NM_177438.3 (MANE Select); coding-DNA position 4342, G replaced by A.
Protein change: p.Glu1448Lys; replaces glutamic acid 1448 with lysine.
Molecular consequence: missense variant. On other transcripts: non-coding transcript variant (6).
Genome position (GRCh38, 1-based): chr14:95,096,578, C>T on the plus strand (G>A on the coding strand, the complement: DICER1 is on the minus strand). VCF-style: chr14-95096578-C-T. GRCh37 (hg19) VCF-style: chr14-95562915-C-T.
Other names: c.4342G>A, p.Glu1448Lys (NM_001195573.1, NM_001271282.3, NM_001291628.2 and 13 more transcripts); c.4060G>A, p.Glu1354Lys (NM_001395686.1); c.3937G>A, p.Glu1313Lys (NM_001395687.1, NM_001395688.1, NM_001395689.1 and 2 more transcripts); c.3775G>A, p.Glu1259Lys (NM_001395691.1); c.2659G>A, p.Glu887Lys (NM_001395697.1); short protein forms E1313K, E1354K, E887K, E1259K, E1448K.
Identifiers: ClinVar variation 2040699 (VCV002040699.4), dbSNP rs2542508618, ClinGen allele CA390869242.

ClinVar aggregate classification (germline): Uncertain significance (1 of 4 stars; one submission).

Conditions:
DICER1-related tumor predisposition. Also called: DICER1-related pleuropulmonary blastoma cancer predisposition syndrome; DICER1 syndrome. Identifiers: Orphanet 284343, MedGen C3839822, MONDO:0100216.

Allele frequency attached by ClinVar (database versions not stated): gnomAD exomes below 0.00001.
gnomAD v4.1: 2 of 1,612,430 alleles (0.00012%); highest among the groups gnomAD compares: Non-Finnish European, 0.00017%; no homozygotes.

Submission:

Labcorp Genetics (formerly Invitae), Labcorp
Classification: Uncertain significance for DICER1-related tumor predisposition. Last evaluated: 2022-05-18. Review status: criteria provided, single submitter. Criteria: Invitae Variant Classification Sherloc (09022015). Collection method: clinical testing. Allele origin: germline.
Comment: This sequence change replaces glutamic acid, which is acidic and polar, with lysine, which is basic and polar, at codon 1448 of the DICER1 protein (p.Glu1448Lys). This variant is not present in population databases (gnomAD no frequency). This variant has not been reported in the literature in individuals affected with DICER1-related conditions. Algorithms developed to predict the effect of missense changes on protein structure and function are either unavailable or do not agree on the potential impact of this missense change (SIFT: "Deleterious"; PolyPhen-2: "Probably Damaging"; Align-GVGD: "Class C0"). In summary, the available evidence is currently insufficient to determine the role of this variant in disease. Therefore, it has been classified as a Variant of Uncertain Significance.